The following is an entry in ClinVar:

ClinVar aggregate classification (germline): Uncertain significance. Review status: criteria provided, multiple submitters, no conflicts (2 of 4 stars). 2 submissions from 2 submitters: Uncertain significance (2). Last evaluated 2025-04-12.

Conditions:
Propionic acidemia (PROP). Also called: GLYCINEMIA, KETOTIC; HYPERGLYCINEMIA WITH KETOACIDOSIS AND LEUKOPENIA; KETOTIC HYPERGLYCINEMIA. Identifiers: Orphanet 35, MedGen C0268579, MONDO:0011628, OMIM 606054, HP:0003571.
Inborn genetic diseases. Identifiers: MedGen C0950123, MeSH D030342.

Allele frequency attached by ClinVar (database versions not stated): gnomAD 0.00001; gnomAD exomes 0.00002 and 0.00004; TOPMed 0.00002; ExAC 0.00005.
gnomAD v4.1: 11 of 1,613,962 alleles (0.00068%); highest among the groups gnomAD compares: Admixed American, 0.017%; no homozygotes.

Submissions (2):

Ambry Genetics
Classification: Uncertain significance for Inborn genetic diseases. Last evaluated: 2025-04-12. Review status: criteria provided, single submitter. Criteria: Ambry Variant Classification Scheme 2023. Collection method: clinical testing. Allele origin: germline.

Labcorp Genetics (formerly Invitae), Labcorp
Classification: Uncertain significance for Propionic acidemia. Last evaluated: 2022-03-30. Review status: criteria provided, single submitter. Criteria: Invitae Variant Classification Sherloc (09022015). Collection method: clinical testing. Allele origin: germline.
Comment: This sequence change replaces isoleucine, which is neutral and non-polar, with threonine, which is neutral and polar, at codon 341 of the PCCB protein (p.Ile341Thr). This variant is present in population databases (rs757258397, gnomAD 0.03%). This variant has not been reported in the literature in individuals affected with PCCB-related conditions. Advanced modeling of protein sequence and biophysical properties (such as structural, functional, and spatial information, amino acid conservation, physicochemical variation, residue mobility, and thermodynamic stability) performed at Invitae indicates that this missense variant is not expected to disrupt PCCB protein function. In summary, the available evidence is currently insufficient to determine the role of this variant in disease. Therefore, it has been classified as a Variant of Uncertain Significance.

NM_000532.5(PCCB):c.1022T>C (p.Ile341Thr)

Gene: PCCB (propionyl-CoA carboxylase subunit beta; plus strand). Cytogenetic location: 3q22.3.
Variant type: single nucleotide variant.
Coding change: c.1022T>C on transcript NM_000532.5 (MANE Select); coding-DNA position 1022, T replaced by C.
Protein change: p.Ile341Thr; replaces isoleucine 341 with threonine.
Molecular consequence: missense variant.
Genome position (GRCh38, 1-based): chr3:136,316,996, T>C. VCF-style: chr3-136316996-T-C. GRCh37 (hg19) VCF-style: chr3-136035838-T-C.
Other names: c.1082T>C, p.Ile361Thr (NM_001178014.2); c.1022T>C (NM_000532.4); short protein forms I361T, I341T.
Identifiers: ClinVar variation 1519085 (VCV001519085.6), dbSNP rs757258397, ClinGen allele CA2631988.